The following is an entry in ClinVar:

NM_170707.4(LMNA):c.339T>A (p.Phe113Leu)

Gene: LMNA (lamin A/C; plus strand). Cytogenetic location: 1q22.
Variant type: single nucleotide variant.
Coding change: c.339T>A on transcript NM_170707.4 (MANE Select); coding-DNA position 339, T replaced by A.
Protein change: p.Phe113Leu; replaces phenylalanine 113 with leucine.
Molecular consequence: missense variant.
Genome position (GRCh38, 1-based): chr1:156,115,257, T>A. VCF-style: chr1-156115257-T-A. GRCh37 (hg19) VCF-style: chr1-156085048-T-A.
Other names: c.339T>A, p.Phe113Leu (NM_001282625.2, NM_001282626.2, NM_005572.4 and 1 more transcripts); short protein forms F113L.
Identifiers: ClinVar variation 1471137 (VCV001471137.23), dbSNP rs759878335, ClinGen allele CA342808875.

ClinVar aggregate classification (germline): Uncertain significance. Review status: criteria provided, multiple submitters, no conflicts (2 of 4 stars). 2 submissions from 2 submitters: Uncertain significance (2). Last evaluated 2024-07-01.

Conditions:
Charcot-Marie-Tooth disease type 2. Also called: Charcot-Marie-Tooth type 2. Identifiers: Orphanet 64746, MedGen C0270914, MONDO:0018993.

Submissions (2):

CeGaT Center for Human Genetics Tuebingen
Classification: Uncertain significance. Last evaluated: 2024-07-01. Review status: criteria provided, single submitter. Criteria: CeGaT Center For Human Genetics Tuebingen Variant Classification Criteria Version 2. Collection method: clinical testing. Allele origin: germline. Affected: yes. Observed: 1 variant allele.
Comment: LMNA: PM2

Labcorp Genetics (formerly Invitae), Labcorp
Classification: Uncertain significance for Charcot-Marie-Tooth disease type 2. Last evaluated: 2021-11-20. Review status: criteria provided, single submitter. Criteria: Invitae Variant Classification Sherloc (09022015). Collection method: clinical testing. Allele origin: germline.
Comment: Algorithms developed to predict the effect of missense changes on protein structure and function (SIFT, PolyPhen-2, Align-GVGD) all suggest that this variant is likely to be tolerated. This variant has not been reported in the literature in individuals affected with LMNA-related conditions. In summary, the available evidence is currently insufficient to determine the role of this variant in disease. Therefore, it has been classified as a Variant of Uncertain Significance. This variant is not present in population databases (gnomAD no frequency). This sequence change replaces phenylalanine, which is neutral and non-polar, with leucine, which is neutral and non-polar, at codon 113 of the LMNA protein (p.Phe113Leu).